The following is an entry in ClinVar:

NM_014516.4(CNOT3):c.694G>A (p.Glu232Lys)

Gene: CNOT3 (CCR4-NOT transcription complex subunit 3; plus strand). Cytogenetic location: 19q13.42.
Variant type: single nucleotide variant.
Coding change: c.694G>A on transcript NM_014516.4 (MANE Select); coding-DNA position 694, G replaced by A.
Protein change: p.Glu232Lys; replaces glutamic acid 232 with lysine.
Molecular consequence: missense variant.
Genome position (GRCh38, 1-based): chr19:54,145,808, G>A. VCF-style: chr19-54145808-G-A. GRCh37 (hg19) VCF-style: chr19-54649544-G-A.
Other names: short protein forms E232K.
Identifiers: ClinVar variation 3375768 (VCV003375768.1).
Genomic context (GRCh38, chr19:54,145,808, plus strand): 5'-GACTCATCCCAGGACCCCGACTTCGAGGAGAACGAGTTTCTCTACGATGACCTGGACCTC[G>A]AGGACATTCGTGAGGCCCTGGGGCTGATCGTGGCACAGGAAGTGAGGGCCCAGAATGGGC-3'
Protein context (NP_055331.1, residues 222-242): NEFLYDDLDL[Glu232Lys]DIPQALVATS

ClinVar aggregate classification (germline): Uncertain significance (1 of 4 stars; one submission).

gnomAD v4.1: 1 of 1,611,640 alleles (0.000062%); highest among the groups gnomAD compares: Non-Finnish European, 0.000085%; no homozygotes.

Submission:

GeneDx
Classification: Uncertain significance. Last evaluated: 2024-05-10. Review status: criteria provided, single submitter. Criteria: GeneDx Variant Classification Process June 2021. Collection method: clinical testing. Allele origin: germline. Affected: yes.
Comment: Not observed at significant frequency in large population cohorts (gnomAD); In silico analysis supports that this missense variant has a deleterious effect on protein structure/function; Has not been previously published as pathogenic or benign to our knowledge